The following is an entry in ClinVar:

ClinVar aggregate classification (germline): Uncertain significance (1 of 4 stars; one submission).

Allele frequency attached by ClinVar (database versions not stated): gnomAD 0.00001; gnomAD exomes 0.00002; TOPMed 0.00002.
gnomAD v4.1: 26 of 1,551,400 alleles (0.0017%); highest among the groups gnomAD compares: Admixed American, 0.0059%; no homozygotes.

Submission:

Labcorp Genetics (formerly Invitae), Labcorp
Classification: Uncertain significance. Last evaluated: 2022-04-12. Review status: criteria provided, single submitter. Criteria: Invitae Variant Classification Sherloc (09022015). Collection method: clinical testing. Allele origin: germline.
Comment: This sequence change replaces arginine, which is basic and polar, with cysteine, which is neutral and slightly polar, at codon 427 of the UNC80 protein (p.Arg427Cys). This variant is present in population databases (no rsID available, gnomAD 0.008%). This missense change has been observed in individual(s) with neurodevelopmental disorders (PMID: 28191889). Algorithms developed to predict the effect of missense changes on protein structure and function are either unavailable or do not agree on the potential impact of this missense change (SIFT: "Not Available"; PolyPhen-2: "Probably Damaging"; Align-GVGD: "Not Available"). In summary, the available evidence is currently insufficient to determine the role of this variant in disease. Therefore, it has been classified as a Variant of Uncertain Significance.

Literature cited by the submitters: PubMed 28191889.

NM_001371986.1(UNC80):c.1279C>T (p.Arg427Cys)

Gene: UNC80 (unc-80 homolog, NALCN channel complex subunit; plus strand). Cytogenetic location: 2q34.
Variant type: single nucleotide variant.
Coding change: c.1279C>T on transcript NM_001371986.1 (MANE Select); coding-DNA position 1279, C replaced by T.
Protein change: p.Arg427Cys; replaces arginine 427 with cysteine.
Molecular consequence: missense variant.
Genome position (GRCh38, 1-based): chr2:209,815,335, C>T. VCF-style: chr2-209815335-C-T. GRCh37 (hg19) VCF-style: chr2-210680059-C-T.
Other names: c.1279C>T, p.Arg427Cys (NM_032504.2, NM_182587.4); short protein forms R427C.
Identifiers: ClinVar variation 1960887 (VCV001960887.2), dbSNP rs1389814766, ClinGen allele CA350134245.